The following is an entry in ClinVar:

NM_015662.3(IFT172):c.4149G>A (p.Glu1383=)

Gene: IFT172 (intraflagellar transport 172; minus strand). Cytogenetic location: 2p23.3.
Variant type: single nucleotide variant.
Coding change: c.4149G>A on transcript NM_015662.3 (MANE Select); coding-DNA position 4149, G replaced by A.
Protein change: p.Glu1383=; no amino-acid change (glutamic acid 1383 retained).
Molecular consequence: synonymous variant.
Genome position (GRCh38, 1-based): chr2:27,449,702, C>T on the plus strand (G>A on the coding strand, the complement: IFT172 is on the minus strand). VCF-style: chr2-27449702-C-T. GRCh37 (hg19) VCF-style: chr2-27672569-C-T.
Other names: c.4083G>A, p.Glu1361= (NM_001410739.1); c.4149G>A (NM_015662.2).
Identifiers: ClinVar variation 2006445 (VCV002006445.5), dbSNP rs1665477205, ClinGen allele CA425415596.

ClinVar aggregate classification (germline): Likely benign. Review status: criteria provided, single submitter (1 of 4 stars). 2 submissions from 2 submitters: Likely benign (1). 1 of the submissions does not count toward it. Last evaluated 2023-03-08.

Conditions:
Short-rib thoracic dysplasia 10 with or without polydactyly (SRTD10). Identifiers: Orphanet 474, MedGen C3810175, MONDO:0014284, OMIM 615630.
Retinitis pigmentosa 71 (RP71). Identifiers: Orphanet 791, MedGen C4225342, MONDO:0014618, OMIM 616394.
IFT172-related disorder. Also called: IFT172-related condition; IFT172-related disorders.

Allele frequency attached by ClinVar (database versions not stated): TOPMed 0.00001.

Submissions (2):

Labcorp Genetics (formerly Invitae), Labcorp
Classification: Likely benign for Retinitis pigmentosa 71; Short-rib thoracic dysplasia 10 with or without polydactyly. Last evaluated: 2023-03-08. Review status: criteria provided, single submitter. Criteria: Invitae Variant Classification Sherloc (09022015). Collection method: clinical testing. Allele origin: germline.

PreventionGenetics, part of Exact Sciences
Classification: Likely benign for IFT172-related condition. Last evaluated: 2022-04-20. Review status: no assertion criteria provided. Collection method: clinical testing. Allele origin: germline. Not counted in ClinVar's aggregate classification.
Comment: This variant is classified as likely benign based on ACMG/AMP sequence variant interpretation guidelines (Richards et al. 2015 PMID: 25741868, with internal and published modifications).